The following is an entry in ClinVar:

ClinVar aggregate classification (germline): Uncertain significance (1 of 4 stars; one submission).

Conditions:
Hereditary cancer-predisposing syndrome. Also called: Hereditary neoplastic syndrome; Tumor predisposition; Hereditary Cancer Syndrome; Neoplastic Syndromes, Hereditary. Identifiers: Orphanet 140162, MedGen C0027672, MeSH D009386, MONDO:0015356.

Submission:

Ambry Genetics
Classification: Uncertain significance for Hereditary cancer-predisposing syndrome. Last evaluated: 2023-08-08. Review status: criteria provided, single submitter. Criteria: Ambry Variant Classification Scheme 2023. Collection method: clinical testing. Allele origin: germline.
Comment: The p.Y493F variant (also known as c.1478A>T), located in coding exon 11 of the APC gene, results from an A to T substitution at nucleotide position 1478. The tyrosine at codon 493 is replaced by phenylalanine, an amino acid with highly similar properties. This amino acid position is conserved. In addition, in silico predictors for this gene do not accurately predict pathogenicity. Since supporting evidence is limited at this time, the clinical significance of this alteration remains unclear.

NM_000038.6(APC):c.1478A>T (p.Tyr493Phe)

Gene: APC (APC regulator of Wnt signaling pathway; plus strand). Cytogenetic location: 5q22.2.
Variant type: single nucleotide variant.
Coding change: c.1478A>T on transcript NM_000038.6 (MANE Select); coding-DNA position 1478, A replaced by T.
Protein change: p.Tyr493Phe; replaces tyrosine 493 with phenylalanine.
Molecular consequence: missense variant.
Genome position (GRCh38, 1-based): chr5:112,827,177, A>T. VCF-style: chr5-112827177-A-T. GRCh37 (hg19) VCF-style: chr5-112162874-A-T.
Other names: c.1478A>T, p.Tyr493Phe (NM_001127510.3, NM_001354895.2, NM_001407450.1); c.1424A>T, p.Tyr475Phe (NM_001127511.3); c.1532A>T, p.Tyr511Phe (NM_001354896.2, NM_001407447.1, NM_001407448.1 and 1 more transcripts); c.1508A>T, p.Tyr503Phe (NM_001354897.2); c.1403A>T, p.Tyr468Phe (NM_001354898.2); c.1394A>T, p.Tyr465Phe (NM_001354899.2); c.1355A>T, p.Tyr452Phe (NM_001354900.2); c.1301A>T, p.Tyr434Phe (NM_001354901.2, NM_001407453.1); and 11 more; short protein forms Y210F, Y402F, Y434F, Y452F, Y465F, Y511F, Y392F, Y410F.
Identifiers: ClinVar variation 2587020 (VCV002587020.2), dbSNP rs770649674, ClinGen allele CA16024544.